The following is an entry in ClinVar:

NM_001918.5(DBT):c.1420C>A (p.Pro474Thr)

Gene: DBT (dihydrolipoamide branched chain transacylase E2; minus strand). Cytogenetic location: 1p21.2.
Variant type: single nucleotide variant.
Coding change: c.1420C>A on transcript NM_001918.5 (MANE Select); coding-DNA position 1420, C replaced by A.
Protein change: p.Pro474Thr; replaces proline 474 with threonine.
Molecular consequence: missense variant. On other transcripts: non-coding transcript variant (4).
Genome position (GRCh38, 1-based): chr1:100,196,284, G>T on the plus strand (C>A on the coding strand, the complement: DBT is on the minus strand). VCF-style: chr1-100196284-G-T. GRCh37 (hg19) VCF-style: chr1-100661840-G-T.
Other names: c.877C>A, p.Pro293Thr (NM_001399969.1, NM_001399972.1); short protein forms P293T, P474T.
Identifiers: ClinVar variation 2421117 (VCV002421117.6), dbSNP rs143990438, ClinGen allele CA27599038.
Genomic context (GRCh38, chr1:100,196,284, plus strand): 5'-CTCAAAAAGTTCAAGAATGTCTTATCAGTCTTCATTTCAGATCTAGTAGCATAAAAGCTG[G>T]GTTTTCTAAATAGGATTTCCACAAATTGGAGAAGCGTGACATTGTAGCACCATCAATAAC-3'
Protein context (NP_001909.4, residues 464-482): SNLWKSYLEN[Pro474Thr]AFMLLDLK

ClinVar aggregate classification (germline): Uncertain significance (1 of 4 stars; one submission).

Conditions:
Maple syrup urine disease (MSUD). Identifiers: Orphanet 511, MedGen C0024776, MeSH D008375, MONDO:0009563. Disease mechanism: loss of function.

gnomAD v4.1: 3 of 1,613,522 alleles (0.00019%); highest among the groups gnomAD compares: African/African-American, 0.004%; no homozygotes.

Submission:

Labcorp Genetics (formerly Invitae), Labcorp
Classification: Uncertain significance for Maple syrup urine disease. Last evaluated: 2022-11-04. Review status: criteria provided, single submitter. Criteria: Invitae Variant Classification Sherloc (09022015). Collection method: clinical testing. Allele origin: germline.
Comment: In summary, the available evidence is currently insufficient to determine the role of this variant in disease. Therefore, it has been classified as a Variant of Uncertain Significance. Advanced modeling of protein sequence and biophysical properties (such as structural, functional, and spatial information, amino acid conservation, physicochemical variation, residue mobility, and thermodynamic stability) performed at Invitae indicates that this missense variant is expected to disrupt DBT protein function. This variant has not been reported in the literature in individuals affected with DBT-related conditions. This variant is present in population databases (no rsID available, gnomAD 0.01%). This sequence change replaces proline, which is neutral and non-polar, with threonine, which is neutral and polar, at codon 474 of the DBT protein (p.Pro474Thr).